The following is an entry in ClinVar:

ClinVar aggregate classification (germline): Uncertain significance (1 of 4 stars; one submission).

Conditions:
Early-infantile DEE. Also called: Ohtahara syndrome; Early infantile epileptic encephalopathy with suppression bursts; Early infantile epileptic encephalopathy. Identifiers: Orphanet 1934, MedGen C0393706, MONDO:0800491.

Allele frequency attached by ClinVar (database versions not stated): gnomAD exomes below 0.00001.
gnomAD v4.1: 2 of 1,611,732 alleles (0.00012%); highest among the groups gnomAD compares: Non-Finnish European, 0.00017%; no homozygotes.

Submission:

Labcorp Genetics (formerly Invitae), Labcorp
Classification: Uncertain significance for Early-infantile DEE. Last evaluated: 2022-08-09. Review status: criteria provided, single submitter. Criteria: Invitae Variant Classification Sherloc (09022015). Collection method: clinical testing. Allele origin: germline.
Comment: This sequence change replaces valine, which is neutral and non-polar, with leucine, which is neutral and non-polar, at codon 550 of the KCNQ2 protein (p.Val550Leu). In summary, the available evidence is currently insufficient to determine the role of this variant in disease. Therefore, it has been classified as a Variant of Uncertain Significance. Advanced modeling of protein sequence and biophysical properties (such as structural, functional, and spatial information, amino acid conservation, physicochemical variation, residue mobility, and thermodynamic stability) performed at Invitae indicates that this missense variant is expected to disrupt KCNQ2 protein function. ClinVar contains an entry for this variant (Variation ID: 1433491). This variant has not been reported in the literature in individuals affected with KCNQ2-related conditions. This variant is present in population databases (no rsID available, gnomAD 0.0009%).

NM_172107.4(KCNQ2):c.1648G>C (p.Val550Leu)

Gene: KCNQ2 (potassium voltage-gated channel subfamily Q member 2; minus strand). Cytogenetic location: 20q13.33.
Variant type: single nucleotide variant.
Coding change: c.1648G>C on transcript NM_172107.4 (MANE Select); coding-DNA position 1648, G replaced by C.
Protein change: p.Val550Leu; replaces valine 550 with leucine.
Molecular consequence: missense variant.
Genome position (GRCh38, 1-based): chr20:63,413,565, C>G on the plus strand (G>C on the coding strand, the complement: KCNQ2 is on the minus strand). VCF-style: chr20-63413565-C-G. GRCh37 (hg19) VCF-style: chr20-62044918-C-G.
Other names: c.1594G>C, p.Val532Leu (NM_001382235.1, NM_172106.3); c.1564G>C, p.Val522Leu (NM_004518.6); c.1555G>C, p.Val519Leu (NM_172108.5); short protein forms V550L, V519L, V532L, V522L.
Identifiers: ClinVar variation 1433491 (VCV001433491.9), dbSNP rs1375676594, ClinGen allele CA409644020.